The following is an entry in ClinVar:

NM_003647.3(DGKE):c.62_65dup (p.Ile23fs)

Gene: DGKE (diacylglycerol kinase epsilon; plus strand). Cytogenetic location: 17q22.
Variant type: Duplication.
Coding change: c.62_65dup on transcript NM_003647.3 (MANE Select); coding-DNA positions 62 to 65, 4 bases duplicated (ACCT; older notation c.62_65dupACCT).
Protein change: p.Ile23fs; shifts the reading frame from isoleucine 23.
Molecular consequence: frameshift variant.
Genome position (GRCh38, 1-based): chr17:56,834,857-56,834,860, ACCT duplicated. VCF-style (leftmost placement, unchanged base first): chr17-56834856-C-CACCT. GRCh37 (hg19) VCF-style: chr17-54912217-C-CACCT.
Other names: short protein forms I23fs.
Identifiers: ClinVar variation 1179079 (VCV001179079.2), dbSNP rs1214440741, ClinGen allele CA626695550.

ClinVar aggregate classification (germline): Pathogenic (1 of 4 stars; one submission).

Conditions:
Immunoglobulin-mediated membranoproliferative glomerulonephritis. Also called: Nephrotic syndrome, type 7; NEPHROTIC SYNDROME, TYPE 7, WITH MEMBRANOPROLIFERATIVE GLOMERULONEPHRITIS. Identifiers: Orphanet 329903, MedGen C3554330, MONDO:0014005, OMIM 615008.

Allele frequency attached by ClinVar (database versions not stated): gnomAD exomes below 0.00001; TOPMed 0.00001.

Submission:

Fulgent Genetics
Classification: Pathogenic for Immunoglobulin-mediated membranoproliferative glomerulonephritis. Last evaluated: 2021-06-30. Review status: criteria provided, single submitter. Criteria: ACMG Guidelines, 2015. Collection method: clinical testing. Allele origin: unknown.
Comment: This variant has been detected in individual(s) who were sent for testing of Renasight - kidney gene panel.